The following is an entry in ClinVar:

ClinVar aggregate classification (germline): Uncertain significance (1 of 4 stars; one submission).

Allele frequency attached by ClinVar (database versions not stated): gnomAD 0.00007; ExAC 0.00010; TOPMed 0.00011; gnomAD exomes 0.00012.

Submission:

Labcorp Genetics (formerly Invitae), Labcorp
Classification: Uncertain significance. Last evaluated: 2026-01-29. Review status: criteria provided, single submitter. Criteria: Invitae Variant Classification Sherloc (09022015). Collection method: clinical testing. Allele origin: germline.
Comment: This sequence change replaces phenylalanine, which is neutral and non-polar, with serine, which is neutral and polar, at codon 61 of the OR2W3 protein (p.Phe61Ser). This variant is present in population databases (rs762401907, gnomAD 0.04%). This variant has not been reported in the literature in individuals affected with OR2W3-related conditions. ClinVar contains an entry for this variant (Variation ID: 1418948). An algorithm developed to predict the effect of missense changes on protein structure and function (PolyPhen-2) suggests that this variant is likely to be disruptive. In summary, the available evidence is currently insufficient to determine the role of this variant in disease. Therefore, it has been classified as a Variant of Uncertain Significance.

NM_001001957.2(OR2W3):c.182T>C (p.Phe61Ser)

Gene: OR2W3 (olfactory receptor family 2 subfamily W member 3; plus strand). Cytogenetic location: 1q44.
Variant type: single nucleotide variant.
Coding change: c.182T>C on transcript NM_001001957.2 (MANE Select); coding-DNA position 182, T replaced by C.
Protein change: p.Phe61Ser; replaces phenylalanine 61 with serine.
Molecular consequence: missense variant.
Genome position (GRCh38, 1-based): chr1:247,895,768, T>C. VCF-style: chr1-247895768-T-C. GRCh37 (hg19) VCF-style: chr1-248059070-T-C.
Other names: short protein forms F61S.
Identifiers: ClinVar variation 1418948 (VCV001418948.6), dbSNP rs762401907, ClinGen allele CA1498532.